The following is an entry in ClinVar:

NM_001035.3(RYR2):c.4280A>G (p.Tyr1427Cys)

Gene: RYR2 (ryanodine receptor 2; plus strand). Cytogenetic location: 1q43.
Variant type: single nucleotide variant.
Coding change: c.4280A>G on transcript NM_001035.3 (MANE Select); coding-DNA position 4280, A replaced by G.
Protein change: p.Tyr1427Cys; replaces tyrosine 1427 with cysteine.
Molecular consequence: missense variant.
Genome position (GRCh38, 1-based): chr1:237,593,480, A>G. VCF-style: chr1-237593480-A-G. GRCh37 (hg19) VCF-style: chr1-237756780-A-G.
Other names: short protein forms Y1427C.
Identifiers: ClinVar variation 971052 (VCV000971052.11), dbSNP rs1427196403, ClinGen allele CA345399473.

ClinVar aggregate classification (germline): Uncertain significance. Review status: criteria provided, multiple submitters, no conflicts (2 of 4 stars). 3 submissions from 3 submitters: Uncertain significance (3). Last evaluated 2025-12-18.

Conditions:
Cardiomyopathy (CMYO). Also called: Cardiomyopathies. Identifiers: Orphanet 167848, MedGen C0878544, MONDO:0004994, HP:0001638. Inheritance: Various modes of inheritance.
Catecholaminergic polymorphic ventricular tachycardia 1. Also called: VENTRICULAR TACHYCARDIA, CATECHOLAMINERGIC POLYMORPHIC, 1, WITH OR WITHOUT ATRIAL DYSFUNCTION AND/OR DILATED CARDIOMYOPATHY; RYR2-Related Catecholaminergic Polymorphic Ventricular Tachycardia; VENTRICULAR TACHYCARDIA, STRESS-INDUCED POLYMORPHIC 1. Identifiers: Orphanet 3286, MedGen C1631597, MONDO:0011484, OMIM 604772.

Allele frequency attached by ClinVar (database versions not stated): gnomAD 0.00001; gnomAD exomes 0.00001; TOPMed 0.00001.
gnomAD v4.1: 9 of 1,612,216 alleles (0.00056%); highest among the groups gnomAD compares: South Asian, 0.0011%; no homozygotes.

Submissions (3):

Color Diagnostics, LLC DBA Color Health
Classification: Uncertain significance for Cardiomyopathy. Last evaluated: 2025-12-18. Review status: criteria provided, single submitter. Criteria: ACMG Guidelines, 2015. Collection method: clinical testing. Allele origin: germline.
Comment: This missense variant replaces tyrosine with cysteine at codon 1427 of the RYR2 protein. Computational prediction suggests that this variant may have deleterious impact on protein structure and function. To our knowledge, functional studies have not been reported for this variant. This variant has not been reported in individuals affected with RYR2-related disorders in the literature. This variant has been identified in 9/1612216 chromosomes in the general population by the Genome Aggregation Database (gnomAD). The available evidence is insufficient to determine the role of this variant in disease conclusively. Therefore, this variant is classified as a Variant of Uncertain Significance.

Labcorp Genetics (formerly Invitae), Labcorp
Classification: Uncertain significance for Catecholaminergic polymorphic ventricular tachycardia 1. Last evaluated: 2024-02-17. Review status: criteria provided, single submitter. Criteria: Invitae Variant Classification Sherloc (09022015). Collection method: clinical testing. Allele origin: germline.
Comment: This sequence change replaces tyrosine, which is neutral and polar, with cysteine, which is neutral and slightly polar, at codon 1427 of the RYR2 protein (p.Tyr1427Cys). This variant is not present in population databases (gnomAD no frequency). This variant has not been reported in the literature in individuals affected with RYR2-related conditions. ClinVar contains an entry for this variant (Variation ID: 971052). Advanced modeling of protein sequence and biophysical properties (such as structural, functional, and spatial information, amino acid conservation, physicochemical variation, residue mobility, and thermodynamic stability) has been performed at Invitae for this missense variant, however the output from this modeling did not meet the statistical confidence thresholds required to predict the impact of this variant on RYR2 protein function. In summary, the available evidence is currently insufficient to determine the role of this variant in disease. Therefore, it has been classified as a Variant of Uncertain Significance.

AiLife Diagnostics
Classification: Uncertain significance. Last evaluated: 2021-07-01. Review status: criteria provided, single submitter. Criteria: ACMG Guidelines, 2015. Collection method: clinical testing. Allele origin: germline. Affected: yes. Observed: 1 variant allele.